The following is an entry in ClinVar:

ClinVar aggregate classification (germline): Likely benign (1 of 4 stars; one submission).

Allele frequency attached by ClinVar (database versions not stated): 1000 Genomes Project 30x 0.00016; 1000 Genomes Project 0.00020; TOPMed 0.00049; gnomAD 0.00055; gnomAD exomes 0.00067; ESP Exome Variant Server 0.00085; ExAC 0.00119.

Submission:

CeGaT Center for Human Genetics Tuebingen
Classification: Likely benign. Last evaluated: 2023-02-01. Review status: criteria provided, single submitter. Criteria: CeGaT Center For Human Genetics Tuebingen Variant Classification Criteria Version 2. Collection method: clinical testing. Allele origin: germline. Affected: yes. Observed: 1 variant allele.
Comment: CBARP: BP4, BP7

NM_001393918.1(CBARP):c.591G>A (p.Pro197=)

Gene: CBARP (CACN subunit beta associated regulatory protein; minus strand). Cytogenetic location: 19p13.3.
Variant type: single nucleotide variant.
Coding change: c.591G>A on transcript NM_001393918.1 (MANE Select); coding-DNA position 591, G replaced by A.
Protein change: p.Pro197=; no amino-acid change (proline 197 retained).
Molecular consequence: synonymous variant.
Genome position (GRCh38, 1-based): chr19:1,234,607, C>T on the plus strand (G>A on the coding strand, the complement: CBARP is on the minus strand). VCF-style: chr19-1234607-C-T. GRCh37 (hg19) VCF-style: chr19-1234606-C-T.
Other names: c.591G>A, p.Pro197= (NM_152769.3).
Identifiers: ClinVar variation 2648909 (VCV002648909.24), dbSNP rs140226458, ClinGen allele CA9039844.